The following is an entry in ClinVar:

NM_002900.3(RBP3):c.823G>C (p.Asp275His)

Gene: RBP3 (retinol binding protein 3; plus strand). Cytogenetic location: 10q11.22.
Variant type: single nucleotide variant.
Coding change: c.823G>C on transcript NM_002900.3 (MANE Select); coding-DNA position 823, G replaced by C.
Protein change: p.Asp275His; replaces aspartic acid 275 with histidine.
Molecular consequence: missense variant.
Genome position (GRCh38, 1-based): chr10:47,349,307, G>C. VCF-style: chr10-47349307-G-C. GRCh37 (hg19) VCF-style: chr10-48390055-C-G.
Other names: short protein forms D275H.
Identifiers: ClinVar variation 1008383 (VCV001008383.8), dbSNP rs1555211043, ClinGen allele CA376666740.

ClinVar aggregate classification (germline): Uncertain significance (1 of 4 stars; one submission).

Allele frequency attached by ClinVar (database versions not stated): gnomAD exomes below 0.00001.

Submission:

Labcorp Genetics (formerly Invitae), Labcorp
Classification: Uncertain significance. Last evaluated: 2020-03-26. Review status: criteria provided, single submitter. Criteria: Invitae Variant Classification Sherloc (09022015). Collection method: clinical testing. Allele origin: germline.
Comment: In summary, the available evidence is currently insufficient to determine the role of this variant in disease. Therefore, it has been classified as a Variant of Uncertain Significance. This sequence change replaces aspartic acid with histidine at codon 275 of the RBP3 protein (p.Asp275His). The aspartic acid residue is moderately conserved and there is a moderate physicochemical difference between aspartic acid and histidine. This variant is not present in population databases (ExAC no frequency). This variant has not been reported in the literature in individuals with RBP3-related conditions. Algorithms developed to predict the effect of missense changes on protein structure and function output the following: SIFT: "Deleterious"; PolyPhen-2: "Probably Damaging"; Align-GVGD: "Class C0". The histidine amino acid residue is found in multiple mammalian species, suggesting that this missense change does not adversely affect protein function. These predictions have not been confirmed by published functional studies and their clinical significance is uncertain.